The following is an entry in ClinVar:

NM_006514.4(SCN10A):c.2906G>A (p.Gly969Glu)

Genes: SCN10A (sodium voltage-gated channel alpha subunit 10; minus strand), LOC110121288 (VISTA enhancer hs2268; plus strand). Cytogenetic location: 3p22.2.
Variant type: single nucleotide variant.
Coding change: c.2906G>A on transcript NM_006514.4 (MANE Select); coding-DNA position 2906, G replaced by A.
Protein change: p.Gly969Glu; replaces glycine 969 with glutamic acid.
Molecular consequence: missense variant.
Genome position (GRCh38, 1-based): chr3:38,726,787, C>T on the plus strand (G>A on the coding strand, the complement: SCN10A is on the minus strand). VCF-style: chr3-38726787-C-T. GRCh37 (hg19) VCF-style: chr3-38768278-C-T.
Other names: c.2906G>A, p.Gly969Glu (NM_001293306.2); c.2612G>A, p.Gly871Glu (NM_001293307.2); short protein forms G871E, G969E.
Identifiers: ClinVar variation 1315148 (VCV001315148.3), dbSNP rs2063460316, ClinGen allele CA352157840.

ClinVar aggregate classification (germline): Uncertain significance. Review status: criteria provided, multiple submitters, no conflicts (2 of 4 stars). 2 submissions from 2 submitters: Uncertain significance (2). Last evaluated 2024-03-07.

Conditions:
Cardiovascular phenotype. Identifiers: MedGen CN230736.

Allele frequency attached by ClinVar (database versions not stated): gnomAD 0.00001; gnomAD exomes 0.00001.
gnomAD v4.1: 9 of 1,611,108 alleles (0.00056%); highest among the groups gnomAD compares: African/African-American, 0.0013%; no homozygotes.

Submissions (2):

Ambry Genetics
Classification: Uncertain significance for Cardiovascular phenotype. Last evaluated: 2024-03-07. Review status: criteria provided, single submitter. Criteria: Ambry Variant Classification Scheme 2023. Collection method: clinical testing. Allele origin: germline.

GeneDx
Classification: Uncertain significance. Last evaluated: 2020-02-04. Review status: criteria provided, single submitter. Criteria: GeneDx Variant Classification Process June 2021. Collection method: clinical testing. Allele origin: germline. Affected: yes.
Comment: Has not been previously published as pathogenic or benign to our knowledge; Not observed in large population cohorts (Lek et al., 2016); In silico analysis supports that this missense variant does not alter protein structure/function